The following is an entry in ClinVar:

NM_005045.4(RELN):c.6839T>A (p.Ile2280Lys)

Gene: RELN (reelin; minus strand). Cytogenetic location: 7q22.1.
Variant type: single nucleotide variant.
Coding change: c.6839T>A on transcript NM_005045.4 (MANE Select); coding-DNA position 6839, T replaced by A.
Protein change: p.Ile2280Lys; replaces isoleucine 2280 with lysine.
Molecular consequence: missense variant.
Genome position (GRCh38, 1-based): chr7:103,540,288, A>T on the plus strand (T>A on the coding strand, the complement: RELN is on the minus strand). VCF-style: chr7-103540288-A-T. GRCh37 (hg19) VCF-style: chr7-103180735-A-T.
Other names: c.6839T>A, p.Ile2280Lys (NM_173054.3); short protein forms I2280K.
Identifiers: ClinVar variation 641438 (VCV000641438.8), dbSNP rs1584276518, ClinGen allele CA368769841.

ClinVar aggregate classification (germline): Uncertain significance (1 of 4 stars; one submission).

Conditions:
Familial temporal lobe epilepsy 7. Identifiers: Orphanet 101046, MedGen C4225327, MONDO:0014639, OMIM 616436.
Norman-Roberts syndrome (LIS2). Also called: Lissencephaly 2 (Norman-Roberts type). Identifiers: Orphanet 89844, MedGen C0796089, MONDO:0009760, OMIM 257320.

Submission:

Labcorp Genetics (formerly Invitae), Labcorp
Classification: Uncertain significance for Familial temporal lobe epilepsy 7; Norman-Roberts syndrome. Last evaluated: 2018-07-31. Review status: criteria provided, single submitter. Criteria: Invitae Variant Classification Sherloc (09022015). Collection method: clinical testing. Allele origin: germline.
Comment: In summary, the available evidence is currently insufficient to determine the role of this variant in disease. Therefore, it has been classified as a Variant of Uncertain Significance. Algorithms developed to predict the effect of missense changes on protein structure and function are either unavailable or do not agree on the potential impact of this missense change (SIFT: "Deleterious"; PolyPhen-2: "Possibly Damaging"; Align-GVGD: "Class C0"). This variant has not been reported in the literature in individuals with RELN-related disease. This sequence change replaces isoleucine with lysine at codon 2280 of the RELN protein (p.Ile2280Lys). The isoleucine residue is moderately conserved and there is a moderate physicochemical difference between isoleucine and lysine. This variant is not present in population databases (ExAC no frequency).